The following is an entry in ClinVar:

ClinVar aggregate classification (germline): Likely pathogenic. Review status: criteria provided, single submitter (1 of 4 stars). 2 submissions from 2 submitters: Likely pathogenic (1). 1 of the submissions does not count toward it. Last evaluated 2023-01-30.

Conditions:
Charcot-Marie-Tooth disease type 2. Also called: Charcot-Marie-Tooth type 2. Identifiers: Orphanet 64746, MedGen C0270914, MONDO:0018993.

Submissions (2):

Labcorp Genetics (formerly Invitae), Labcorp
Classification: Likely pathogenic for Charcot-Marie-Tooth disease type 2. Last evaluated: 2023-01-30. Review status: criteria provided, single submitter. Criteria: Invitae Variant Classification Sherloc (09022015). Collection method: clinical testing. Allele origin: germline.
Comment: Advanced modeling of protein sequence and biophysical properties (such as structural, functional, and spatial information, amino acid conservation, physicochemical variation, residue mobility, and thermodynamic stability) performed at Invitae indicates that this missense variant is expected to disrupt LMNA protein function. Experimental studies have shown that this missense change affects LMNA function (PMID: 20848652). This variant disrupts the p.Arg25 amino acid residue in LMNA. Other variant(s) that disrupt this residue have been determined to be pathogenic (PMID: 14684700, 20092787, 31296869). This suggests that this residue is clinically significant, and that variants that disrupt this residue are likely to be disease-causing. In summary, the currently available evidence indicates that the variant is pathogenic, but additional data are needed to prove that conclusively. Therefore, this variant has been classified as Likely Pathogenic. ClinVar contains an entry for this variant (Variation ID: 66932). This sequence change replaces arginine, which is basic and polar, with proline, which is neutral and non-polar, at codon 25 of the LMNA protein (p.Arg25Pro). This variant is not present in population databases (gnomAD no frequency). This missense change has been observed in individual(s) with autosomal dominant Emery-Dreifuss muscular dystrophy (PMID: 11503164).

Epithelial Biology;  Institute of Medical Biology, Singapore
No classification provided. Review status: no classification provided. Collection method: not provided. Allele origin: not provided. Not counted in ClinVar's aggregate classification.

Literature cited by the submitters: PubMed 20848652 (cited by Labcorp Genetics (formerly Invitae), Labcorp); PubMed 14684700 (cited by Labcorp Genetics (formerly Invitae), Labcorp); PubMed 20092787 (cited by Labcorp Genetics (formerly Invitae), Labcorp); PubMed 31296869 (cited by Labcorp Genetics (formerly Invitae), Labcorp); PubMed 11503164 (cited by Labcorp Genetics (formerly Invitae), Labcorp).

NM_170707.4(LMNA):c.74G>C (p.Arg25Pro)

Genes: LMNA (lamin A/C; plus strand), LOC129931597 (ATAC-STARR-seq lymphoblastoid silent region 1421; plus strand). Cytogenetic location: 1q22.
Variant type: single nucleotide variant.
Coding change: c.74G>C on transcript NM_170707.4 (MANE Select); coding-DNA position 74, G replaced by C.
Protein change: p.Arg25Pro; replaces arginine 25 with proline.
Molecular consequence: missense variant.
Genome position (GRCh38, 1-based): chr1:156,114,992, G>C. VCF-style: chr1-156114992-G-C. GRCh37 (hg19) VCF-style: chr1-156084783-G-C.
Other names: c.74G>C, p.Arg25Pro (NM_001282625.2, NM_001282626.2, NM_005572.4 and 1 more transcripts); short protein forms R25P.
Identifiers: ClinVar variation 66932 (VCV000066932.6), dbSNP rs61578124, ClinGen allele CA018579.